The following is an entry in ClinVar:

NM_002467.6(MYC):c.217_261del (p.Thr73_Pro87del)

Gene: MYC (MYC proto-oncogene, bHLH transcription factor; plus strand). Cytogenetic location: 8q24.21.
Variant type: Deletion.
Coding change: c.217_261del on transcript NM_002467.6 (MANE Select); coding-DNA positions 217 to 261, 45 bases deleted.
Protein change: p.Thr73_Pro87del.
Genome position (GRCh38, 1-based): chr8:127,738,434-127,738,478, 45 bases deleted; deleting any 45 consecutive bases within chr8:127,738,430-127,738,478 gives the same sequence; the c. name uses the placement nearest the transcript's 3' end. GRCh37 (hg19): chr8:128,750,680-128,750,724.
Other names: c.214_258del, p.Thr72_Pro86del (NM_001354870.1).
Identifiers: ClinVar variation 4530452 (VCV004530452.1).

ClinVar aggregate classification (somatic clinical impact): Tier II - Potential (1 of 4 stars; one submission).

Conditions:
Medulloblastoma non-WNT/non-SHH. Identifiers: MedGen C4330667, MONDO:0850198.

Submission:

Institute for Genomic Medicine (IGM) Clinical Laboratory, Nationwide Children's Hospital
Classification: Tier II - Potential for Medulloblastoma non-WNT/non-SHH. Assertion type: diagnostic. Clinical significance: supports diagnosis. Last evaluated: 2023-08-29. Review status: criteria provided, single submitter. Criteria: AMP/ASCO/CAP Guidelines, 2017. Collection method: clinical testing. Allele origin: somatic. Affected: yes.
Comment: Variant has Tier II (potential) clinical significance as a diagnostic inclusion criterion in medulloblastoma non-WNT/non-SHH, based on the following evidence: 1) Documented in one or more cancer databases (e.g., St. Jude Pecan, COSMIC, CIViC, OncoKB). 2) Assists in diagnosis alone or along with other biomarkers based on small studies or few case reports (Evidence Level D; PMIDs: 22722829, 22832581).

Literature cited by the submitters: PubMed 22722829; PubMed 22832581.